The following is an entry in ClinVar:

ClinVar aggregate classification (germline): Likely pathogenic (1 of 4 stars; one submission).

Submission:

CeGaT Center for Human Genetics Tuebingen
Classification: Likely pathogenic. Last evaluated: 2024-10-01. Review status: criteria provided, single submitter. Criteria: CeGaT Center For Human Genetics Tuebingen Variant Classification Criteria Version 2. Collection method: clinical testing. Allele origin: germline. Affected: yes. Observed: 1 variant allele.
Comment: TTN: PVS1:Strong, PM2

NM_001267550.2(TTN):c.76593_76596del (p.Val25532fs)

Genes: TTN (titin; minus strand), TTN-AS1 (TTN antisense RNA 1; plus strand). Cytogenetic location: 2q31.2.
Variant type: Deletion.
Coding change: c.76593_76596del on transcript NM_001267550.2 (MANE Select); coding-DNA positions 76593 to 76596, 4 bases deleted (TGTT; older notation c.76593_76596delTGTT).
Protein change: p.Val25532fs; shifts the reading frame from valine 25532.
Molecular consequence: frameshift variant.
Genome position (GRCh38, 1-based): chr2:178,569,536-178,569,539, AACA deleted on the plus strand (TGTT on the coding strand, the reverse complement: TTN is on the minus strand); deleting any 4 consecutive bases within chr2:178,569,536-178,569,541 gives the same sequence; the c. name uses the placement nearest the transcript's 3' end. VCF-style (leftmost placement, unchanged base first): chr2-178569535-GAACA-G. GRCh37 (hg19) VCF-style: chr2-179434262-GAACA-G.
Other names: c.71670_71673del, p.Val23891fs (NM_001256850.1); c.49398_49401del, p.Val16467fs (NM_003319.4); c.68889_68892del, p.Val22964fs (NM_133378.4); c.49773_49776del, p.Val16592fs (NM_133432.3); c.49974_49977del, p.Val16659fs (NM_133437.4); short protein forms V16467fs, V16592fs, V16659fs, V22964fs, V23891fs, V25532fs.
Identifiers: ClinVar variation 3389901 (VCV003389901.14).